The following is an entry in ClinVar:

ClinVar aggregate classification (germline): Pathogenic (1 of 4 stars; one submission).

Submission:

Labcorp Genetics (formerly Invitae), Labcorp
Classification: Pathogenic. Last evaluated: 2023-03-22. Review status: criteria provided, single submitter. Criteria: Invitae Variant Classification Sherloc (09022015). Collection method: clinical testing. Allele origin: germline.
Comment: This variant is not present in population databases (gnomAD no frequency). This sequence change creates a premature translational stop signal (p.Ile635Leufs*2) in the USH2A gene. It is expected to result in an absent or disrupted protein product. Loss-of-function variants in USH2A are known to be pathogenic (PMID: 10729113, 10909849, 20507924, 25649381). This variant has not been reported in the literature in individuals affected with USH2A-related conditions. For these reasons, this variant has been classified as Pathogenic.

Literature cited by the submitters: PubMed 10729113; PubMed 10909849; PubMed 20507924; PubMed 25649381.

NM_206933.4(USH2A):c.1903_1919del (p.Ile635fs)

Gene: USH2A (usherin; minus strand). Cytogenetic location: 1q41.
Variant type: Deletion.
Coding change: c.1903_1919del on transcript NM_206933.4 (MANE Select); coding-DNA positions 1903 to 1919, 17 bases deleted (ATAGATGTTTGCAAACC).
Protein change: p.Ile635fs; shifts the reading frame from isoleucine 635.
Molecular consequence: frameshift variant.
Genome position (GRCh38, 1-based): chr1:216,289,332-216,289,348, GGTTTGCAAACATCTAT deleted on the plus strand (ATAGATGTTTGCAAACC on the coding strand, the reverse complement: USH2A is on the minus strand); deleting any 17 consecutive bases within chr1:216,289,332-216,289,350 gives the same sequence; the c. name uses the placement nearest the transcript's 3' end. VCF-style (leftmost placement, unchanged base first): chr1-216289331-GGGTTTGCAAACATCTAT-G. GRCh37 (hg19) VCF-style: chr1-216462673-GGGTTTGCAAACATCTAT-G.
Other names: c.1903_1919del, p.Ile635fs (NM_007123.6); short protein forms I635fs.
Identifiers: ClinVar variation 2824665 (VCV002824665.3), dbSNP rs2528250447, ClinGen allele CA2739275655.